The following is an entry in ClinVar:

ClinVar aggregate classification (germline): Uncertain significance (1 of 4 stars; one submission).

gnomAD v4.1: 1 of 1,192,636 alleles (0.000084%); highest among the groups gnomAD compares: Admixed American, 0.0023%; no homozygotes.

Submission:

GeneDx
Classification: Uncertain significance. Last evaluated: 2026-09-30. Review status: criteria provided, single submitter. Criteria: GeneDx Variant Classification Process June 2021. Collection method: clinical testing. Allele origin: germline.
Comment: In silico analysis supports that this missense variant has a deleterious effect on protein structure/function; Has not been previously published as pathogenic or benign to our knowledge

NM_024528.4(NKAP):c.596A>T (p.Lys199Ile)

Gene: NKAP (NFKB activating protein; minus strand). Cytogenetic location: Xq24.
Variant type: single nucleotide variant.
Coding change: c.596A>T on transcript NM_024528.4 (MANE Select); coding-DNA position 596, A replaced by T.
Protein change: p.Lys199Ile; replaces lysine 199 with isoleucine.
Molecular consequence: missense variant.
Genome position (GRCh38, 1-based): chrX:119,936,374, T>A on the plus strand (A>T on the coding strand, the complement: NKAP is on the minus strand). VCF-style: chrX-119936374-T-A. GRCh37 (hg19) VCF-style: chrX-119070337-T-A.
Other names: short protein forms K199I.
Identifiers: ClinVar variation 3369336 (VCV003369336.3).